The following is an entry in ClinVar:

ClinVar aggregate classification (germline): Uncertain significance. Review status: criteria provided, multiple submitters, no conflicts (2 of 4 stars). 5 submissions from 5 submitters: Uncertain significance (5). Last evaluated 2025-11-10.

Conditions:
Wolfram syndrome 1 (WFS1). Identifiers: Orphanet 3463, MedGen C4551693, MONDO:0009101, OMIM 222300.
WFS1-related disorder. Identifiers: MedGen CN379391, MONDO:0700293.

Allele frequency attached by ClinVar (database versions not stated): ExAC 0.00001; gnomAD exomes 0.00001 and 0.00002; TOPMed 0.00001; gnomAD 0.00002 and 0.00003.
gnomAD v4.1: 24 of 1,613,704 alleles (0.0015%); highest among the groups gnomAD compares: Non-Finnish European, 0.0019%; no homozygotes.

Submissions (5):

PreventionGenetics, part of Exact Sciences
Classification: Uncertain significance for WFS1-related condition. Last evaluated: 2025-11-10. Review status: criteria provided, single submitter. Criteria: ACMG Guidelines, 2015. Collection method: clinical testing. Allele origin: germline.
Comment: The WFS1 c.1184T>A variant is predicted to result in the amino acid substitution p.Val395Asp. To our knowledge, this variant has not been reported in the literature. This variant is reported in 0.0046% of alleles in individuals of European (Non-Finnish) descent in gnomAD. At this time, the clinical significance of this variant is uncertain due to the absence of conclusive functional and genetic evidence.

Labcorp Genetics (formerly Invitae), Labcorp
Classification: Uncertain significance. Last evaluated: 2024-12-03. Review status: criteria provided, single submitter. Criteria: Invitae Variant Classification Sherloc (09022015). Collection method: clinical testing. Allele origin: germline.
Comment: This sequence change replaces valine, which is neutral and non-polar, with aspartic acid, which is acidic and polar, at codon 395 of the WFS1 protein (p.Val395Asp). This variant is present in population databases (rs769744865, gnomAD 0.005%). This variant has not been reported in the literature in individuals affected with WFS1-related conditions. ClinVar contains an entry for this variant (Variation ID: 666955). Invitae Evidence Modeling of protein sequence and biophysical properties (such as structural, functional, and spatial information, amino acid conservation, physicochemical variation, residue mobility, and thermodynamic stability) indicates that this missense variant is not expected to disrupt WFS1 protein function with a negative predictive value of 95%. In summary, the available evidence is currently insufficient to determine the role of this variant in disease. Therefore, it has been classified as a Variant of Uncertain Significance.

Blueprint Genetics
Classification: Uncertain significance. Last evaluated: 2024-05-23. Review status: criteria provided, single submitter. Criteria: ACMG Guidelines, 2015. Collection method: clinical testing. Allele origin: germline.

Laboratory for Molecular Medicine, Mass General Brigham Personalized Medicine
Classification: Uncertain significance. Last evaluated: 2018-05-22. Review status: criteria provided, single submitter. Criteria: LMM Criteria. Collection method: clinical testing. Allele origin: germline. Observed: 2 variant alleles.
Comment: The p.Val395Asp variant in WFS1 has not been previously reported in individuals with hearing loss or Wolfram syndrome. This variant has been reported in 0.005% (6/126670) of European chromosomes by the Genome Aggregation Database (gnomAD; dbSNP rs769744865). Computational prediction to ols and conservation analyses suggest that this variant may not impact the prote in, though this information is not predictive enough to rule out pathogenicity. In summary, the clinical significance of the p.Val395Asp variant is uncertain. ACMG/AMP Criteria applied: BP4.

Clinical Genomics, Uppaluri K&H Personalized Medicine Clinic
Classification: Uncertain significance for Wolfram syndrome 1. Review status: criteria provided, single submitter. Criteria: K & H Uppaluri Personalized Medicine Clinic Variant Classification & Assertion Criteria_Updated V.1. Collection method: research. Allele origin: unknown. Inheritance: Autosomal recessive inheritance.
Comment: Potent mutations in WFS1 gene are associated with Wolfram's syndrome, an autosomal recessive condition, which cause diabetes mellitus, diabetes insipidus, deafness and optic atrophy.However no sufficient evidence is found to ascertain the role of this particular variant rs769744865 in Wolfram's syndrome yet.

Literature cited by the submitters: PubMed 20738327 (cited by Clinical Genomics, Uppaluri K&H Personalized Medicine Clinic); PubMed 33879153 (cited by Clinical Genomics, Uppaluri K&H Personalized Medicine Clinic); PubMed 12955714 (cited by Clinical Genomics, Uppaluri K&H Personalized Medicine Clinic); PubMed 18060660 (cited by Clinical Genomics, Uppaluri K&H Personalized Medicine Clinic); PubMed 20301750 (cited by Clinical Genomics, Uppaluri K&H Personalized Medicine Clinic); PubMed 17603484 (cited by Clinical Genomics, Uppaluri K&H Personalized Medicine Clinic).

NM_006005.3(WFS1):c.1184T>A (p.Val395Asp)

Gene: WFS1 (wolframin ER transmembrane glycoprotein; plus strand). Cytogenetic location: 4p16.1.
Variant type: single nucleotide variant.
Coding change: c.1184T>A on transcript NM_006005.3 (MANE Select); coding-DNA position 1184, T replaced by A.
Protein change: p.Val395Asp; replaces valine 395 with aspartic acid.
Molecular consequence: missense variant.
Genome position (GRCh38, 1-based): chr4:6,300,979, T>A. VCF-style: chr4-6300979-T-A. GRCh37 (hg19) VCF-style: chr4-6302706-T-A.
Other names: c.1184T>A, p.Val395Asp (NM_001145853.1); short protein forms V395D.
Identifiers: ClinVar variation 666955 (VCV000666955.12), dbSNP rs769744865, ClinGen allele CA2839249.
Genomic context (GRCh38, chr4:6,300,979, plus strand): 5'-GCACCCTCACCGACCTGCTGCTGCGCTTCGAGCCCAACCTGGATGTGGAGCAGGCCGAGG[T>A]CAACTTCGGCTGGAACCACCTGGAGCCCTATGCCCATTTCCTGCTCTCTGTCTTCTTCGT-3'
Protein context (NP_005996.2, residues 385-405): EPNLDVEQAE[Val395Asp]NFGWNHLEPY